The following is an entry in ClinVar:

NM_000628.5(IL10RB):c.179G>C (p.Arg60Thr)

Genes: IL10RB (interleukin 10 receptor subunit beta; plus strand), IFNAR2-IL10RB (IFNAR2-IL10RB readthrough; plus strand). Cytogenetic location: 21q22.11.
Variant type: single nucleotide variant.
Coding change: c.179G>C on transcript NM_000628.5 (MANE Select); coding-DNA position 179, G replaced by C.
Protein change: p.Arg60Thr; replaces arginine 60 with threonine.
Molecular consequence: missense variant.
Genome position (GRCh38, 1-based): chr21:33,276,601, G>C. VCF-style: chr21-33276601-G-C. GRCh37 (hg19) VCF-style: chr21-34648906-G-C.
Other names: c.839G>C, p.Arg280Thr (NM_001414505.1); c.179G>C, p.Arg60Thr (NM_001405849.1, NM_001405850.1, NM_001406840.1); short protein forms R280T, R60T.
Identifiers: ClinVar variation 2060034 (VCV002060034.4), dbSNP rs1204690869, ClinGen allele CA410108664.

ClinVar aggregate classification (germline): Uncertain significance (1 of 4 stars; one submission).

Conditions:
Inflammatory bowel disease 25. Also called: Inflammatory bowel disease 25, early onset, autosomal recessive. Identifiers: Orphanet 238569, MedGen C2675508, MONDO:0012941, OMIM 612567.

Submission:

Labcorp Genetics (formerly Invitae), Labcorp
Classification: Uncertain significance for Inflammatory bowel disease 25. Last evaluated: 2022-10-04. Review status: criteria provided, single submitter. Criteria: Invitae Variant Classification Sherloc (09022015). Collection method: clinical testing. Allele origin: germline.
Comment: In summary, the available evidence is currently insufficient to determine the role of this variant in disease. Therefore, it has been classified as a Variant of Uncertain Significance. Algorithms developed to predict the effect of sequence changes on RNA splicing suggest that this variant may disrupt the consensus splice site. Advanced modeling of protein sequence and biophysical properties (such as structural, functional, and spatial information, amino acid conservation, physicochemical variation, residue mobility, and thermodynamic stability) performed at Invitae indicates that this missense variant is not expected to disrupt IL10RB protein function. This variant has not been reported in the literature in individuals affected with IL10RB-related conditions. This variant is not present in population databases (gnomAD no frequency). This sequence change replaces arginine, which is basic and polar, with threonine, which is neutral and polar, at codon 60 of the IL10RB protein (p.Arg60Thr).